The following is an entry in ClinVar:

ClinVar aggregate classification (germline): Pathogenic. Review status: criteria provided, multiple submitters, no conflicts (2 of 4 stars). 15 submissions from 15 submitters: Pathogenic (14). 1 of the submissions does not count toward it. Last evaluated 2026-01-18.

Conditions:
BARD1-related cancer predisposition. Identifiers: MedGen CN377756, MONDO:0700267.
Hereditary cancer-predisposing syndrome. Also called: Hereditary neoplastic syndrome; Tumor predisposition; Neoplastic Syndromes, Hereditary; Hereditary Cancer Syndrome. Identifiers: Orphanet 140162, MedGen C0027672, MeSH D009386, MONDO:0015356.
Gastric cancer. Also called: Malignant tumor of stomach; Stomach cancer. Identifiers: MedGen C0024623, MeSH D013274, MONDO:0001056, OMIM 613659, HP:0012126.
Hereditary breast ovarian cancer syndrome. Also called: Breast and ovarian cancer; Hereditary breast and/or ovarian cancer syndrome; BRCA1- and BRCA2-Associated Hereditary Breast and Ovarian Cancer; Hereditary breast and ovarian cancer; Hereditary breast and ovarian cancer syndrome; Hereditary breast and ovarian cancer syndrome (HBOC). Identifiers: Orphanet 145, MedGen C0677776, MeSH D061325, MONDO:0003582. Disease mechanism: loss of function.
Familial cancer of breast. Also called: hereditary breast carcinoma; Hereditary breast cancer; BREAST CANCER, FAMILIAL. Identifiers: Orphanet 227535, MedGen C0346153, MONDO:0016419, OMIM 114480. Disease mechanism: loss of function.
Malignant tumor of breast. Also called: Malignant breast neoplasm; Cancer breast. Identifiers: MedGen C0006142, MONDO:0007254. Disease mechanism: loss of function.

Allele frequency attached by ClinVar (database versions not stated): ExAC 0.00001; gnomAD exomes 0.00001; TOPMed 0.00001.

Submissions (15):

Labcorp Genetics (formerly Invitae), Labcorp
Classification: Pathogenic for Familial cancer of breast. Last evaluated: 2026-01-18. Review status: criteria provided, single submitter. Criteria: Invitae Variant Classification Sherloc (09022015). Collection method: clinical testing. Allele origin: germline.
Comment: This sequence change creates a premature translational stop signal (p.Arg150*) in the BARD1 gene. It is expected to result in an absent or disrupted protein product. Loss-of-function variants in BARD1 are known to be pathogenic (PMID: 20077502, 21344236). This variant is present in population databases (rs730881411, gnomAD 0.003%). This premature translational stop signal has been observed in individual(s) with breast cancer (PMID: 26681312, 28709830). ClinVar contains an entry for this variant (Variation ID: 182036). For these reasons, this variant has been classified as Pathogenic.

GeneDx
Classification: Pathogenic. Last evaluated: 2025-09-23. Review status: criteria provided, single submitter. Criteria: GeneDx Variant Classification Process June 2021. Collection method: clinical testing. Allele origin: germline. Affected: yes.
Comment: Nonsense variant predicted to result in protein truncation or nonsense mediated decay in a gene for which loss of function is a known mechanism of disease; Observed in individuals with personal and/or family history of breast and/or ovarian cancer (PMID: 26720728, 28888541, 28709830, 31036035, 32566746); Published functional studies demonstrate a damaging effect: reduced expression and HDR activity (PMID: 37688570); Not observed at significant frequency in large population cohorts (gnomAD); Truncating variants in this gene are considered pathogenic by a well-established clinical consortium and/or database; This variant is associated with the following publications: (PMID: 26681312, 33309985, 34196900, 28709830, 26720728, 34426522, 33084842, 32980694, 31036035, 29922827, 28888541, 36243179, 32566746, 38814507, 37688579, 37688570)

Ambry Genetics
Classification: Pathogenic for Hereditary cancer-predisposing syndrome. Last evaluated: 2025-03-03. Review status: criteria provided, single submitter. Criteria: Ambry Variant Classification Scheme 2023. Collection method: clinical testing. Allele origin: germline.
Comment: The p.R150* pathogenic mutation (also known as c.448C>T), located in coding exon 4 of the BARD1 gene, results from a C to T substitution at nucleotide position 448. This changes the amino acid from an arginine to a stop codon within coding exon 4. This alteration has previously been reported in the literature in two individuals diagnosed with breast cancer (Susswein LR et al. Genet. Med. 2016 Aug;18:823-32; Schoolmeester JK et al. Hum. Pathol. 2017 Dec;70:14-26). In addition to the clinical data presented in the literature, this alteration is expected to result in loss of function by premature protein truncation or nonsense-mediated mRNA decay. As such, this alteration is interpreted as a disease-causing mutation.

Department of Pathology and Laboratory Medicine, Sinai Health System
Classification: Pathogenic for BARD1-related cancer predisposition. Last evaluated: 2024-12-27. Review status: criteria provided, single submitter. Criteria: ACMG Guidelines, 2015. Collection method: clinical testing. Allele origin: germline.

Molecular Pathology, Peter Maccallum Cancer Centre
Classification: Pathogenic for BARD1-related cancer predisposition. Last evaluated: 2024-05-11. Review status: criteria provided, single submitter. Criteria: ACMG Guidelines, 2015. Collection method: clinical testing. Allele origin: germline. Inheritance: Autosomal dominant inheritance.

Baylor Genetics
Classification: Pathogenic for Familial cancer of breast. Last evaluated: 2024-03-01. Review status: criteria provided, single submitter. Criteria: ACMG Guidelines, 2015. Collection method: clinical testing. Allele origin: unknown.

Revvity Omics, Revvity
Classification: Pathogenic. Last evaluated: 2023-11-10. Review status: criteria provided, single submitter. Criteria: ACMG Guidelines, 2015. Collection method: clinical testing. Allele origin: germline.

Myriad Genetics, Inc.
Classification: Pathogenic for Familial cancer of breast. Last evaluated: 2023-05-18. Review status: criteria provided, single submitter. Criteria: Myriad Autosomal Dominant, Autosomal Recessive and X-Linked Classification Criteria (2023). Collection method: clinical testing. Allele origin: unknown.
Comment: This variant is considered pathogenic. This variant creates a termination codon and is predicted to result in premature protein truncation.

Institute of Human Genetics, University of Leipzig Medical Center
Classification: Pathogenic for Familial cancer of breast. Last evaluated: 2023-02-21. Review status: criteria provided, single submitter. Criteria: ACMG Guidelines, 2015. Collection method: clinical testing. Allele origin: unknown. Affected: yes.
Comment: _x000D_ Criteria applied: PVS1, PS4_MOD, PM2_SUP

Women's Health and Genetics/Laboratory Corporation of America, LabCorp
Classification: Pathogenic for Malignant tumor of breast. Last evaluated: 2023-02-09. Review status: criteria provided, single submitter. Criteria: LabCorp Variant Classification Summary - May 2015. Collection method: clinical testing. Allele origin: germline.
Comment: Variant summary: BARD1 c.448C>T (p.Arg150X) results in a premature termination codon, predicted to cause a truncation of the encoded protein or absence of the protein due to nonsense mediated decay, which are commonly known mechanisms for disease. Truncations downstream of this position have been classified as pathogenic by our laboratory. The variant allele was found at a frequency of 8e-06 in 250728 control chromosomes (gnomAD). c.448C>T has been reported in the literature in individuals affected with Breast Cancer (examples: Susswein_2016, Schoolmeester_2017, Weber-Lasalle_2019, and Ren_2021) and Ovarian Cancer (Norquist_2016). These data indicate that the variant is very likely to be associated with disease. To our knowledge, no experimental evidence demonstrating an impact on protein function has been reported. Six clinical diagnostic laboratories have submitted clinical-significance assessments for this variant to ClinVar after 2014 and all laboratories classified the variant as pathogenic. Based on the evidence outlined above, the variant was classified as pathogenic.

Color Diagnostics, LLC DBA Color Health
Classification: Pathogenic for Hereditary cancer-predisposing syndrome. Last evaluated: 2021-07-06. Review status: criteria provided, single submitter. Criteria: ACMG Guidelines, 2015. Collection method: clinical testing. Allele origin: germline.
Comment: This variant changes 1 nucleotide in exon 4 of the BARD1 gene, creating a premature translation stop signal. This variant is expected to result in an absent or non-functional protein product. This variant has been reported in individuals affected with breast, ovarian, and pancreatic cancer (PMID: 26681312, 26720728, 28709830, 29922827, 31036035, 32566746). This variant has been identified in 2/250728 chromosomes in the general population by the Genome Aggregation Database (gnomAD). Loss of BARD1 function is a known mechanism of disease. Based on the available evidence, this variant is classified as Pathogenic.

Quest Diagnostics Nichols Institute San Juan Capistrano
Classification: Pathogenic. Last evaluated: 2020-11-16. Review status: criteria provided, single submitter. Criteria: Quest Diagnostics criteria. Collection method: clinical testing. Allele origin: unknown.
Comment: This nonsense variant causes the premature termination of BARD1 protein synthesis. In addition, it has been reported in individuals affected with breast cancer in the published literature (PMID: 32566746 (2020), 31036035 (2019), 28709830 (2017), 26681312 (2015)). The frequency of this variant in the general population is consistent with pathogenicity. Therefore, the variant is classified as pathogenic.

Cancer Genomics Group, Japanese Foundation For Cancer Research
Classification: Pathogenic for Hereditary breast and ovarian cancer syndrome. Last evaluated: 2019-05-01. Review status: criteria provided, single submitter. Criteria: ACMG Guidelines, 2015. Collection method: research. Allele origin: germline. Affected: yes.

Juno Genomics, Hangzhou Juno Genomics, Inc
Classification: Pathogenic for Familial cancer of breast. Review status: criteria provided, single submitter. Criteria: ACMG Guidelines, 2015. Collection method: clinical testing. Allele origin: germline.
Comment: Absent from controls (or at extremely low frequency if recessive) in Genome Aggregation Database.;Null variant in a gene where loss of function (LOF) is a known mechanism of disease.;The prevalence of the variant in affected individuals is significantly increased compared to the prevalence in controls.

Laboratory for Genotyping Development, RIKEN
Classification: Pathogenic for Gastric cancer. Last evaluated: 2021-07-01. Review status: no assertion criteria provided. Collection method: research. Allele origin: germline. Not counted in ClinVar's aggregate classification.

Literature cited by the submitters: PubMed 20077502 (cited by Labcorp Genetics (formerly Invitae), Labcorp); PubMed 21344236 (cited by Labcorp Genetics (formerly Invitae), Labcorp); PubMed 26681312 (cited by 5 submitters); PubMed 28709830 (cited by 5 submitters); PubMed 32566746 (cited by 3 submitters); PubMed 31036035 (cited by 3 submitters); PubMed 26720728 (cited by Department of Pathology and Laboratory Medicine, Sinai Health System and Women's Health and Genetics/Laboratory Corporation of America, LabCorp); PubMed 29922827 (cited by Women's Health and Genetics/Laboratory Corporation of America, LabCorp); PubMed 31371347 (cited by Women's Health and Genetics/Laboratory Corporation of America, LabCorp); PubMed 34196900 (cited by Women's Health and Genetics/Laboratory Corporation of America, LabCorp); PubMed 36988593 (cited by Laboratory for Genotyping Development, RIKEN).

NM_000465.4(BARD1):c.448C>T (p.Arg150Ter)

Gene: BARD1 (BRCA1 associated RING domain 1; minus strand). Cytogenetic location: 2q35.
Variant type: single nucleotide variant.
Coding change: c.448C>T on transcript NM_000465.4 (MANE Select); coding-DNA position 448, C replaced by T.
Protein change: p.Arg150Ter; replaces arginine 150 with a stop codon.
Molecular consequence: nonsense. On other transcripts: non-coding transcript variant (2), intron variant (3).
Genome position (GRCh38, 1-based): chr2:214,781,426, G>A on the plus strand (C>T on the coding strand, the complement: BARD1 is on the minus strand). VCF-style: chr2-214781426-G-A. GRCh37 (hg19) VCF-style: chr2-215646150-G-A.
Other names: p.R150*:CGA>TGA; c.391C>T, p.Arg131Ter (NM_001282543.2); c.158+27986C>T (NM_001282548.2); c.215+15635C>T (NM_001282545.2); c.364+10871C>T (NM_001282549.2); short protein forms R150*, R131*.
Identifiers: ClinVar variation 182036 (VCV000182036.63), dbSNP rs730881411, ClinGen allele CA298444.